The following is an entry in ClinVar:

NM_004006.3(DMD):c.4048C>T (p.Arg1350Cys)

Gene: DMD (dystrophin; minus strand). Cytogenetic location: Xp21.1.
Variant type: single nucleotide variant.
Coding change: c.4048C>T on transcript NM_004006.3 (MANE Select); coding-DNA position 4048, C replaced by T.
Protein change: p.Arg1350Cys; replaces arginine 1350 with cysteine.
Molecular consequence: missense variant.
Genome position (GRCh38, 1-based): chrX:32,438,264, G>A on the plus strand (C>T on the coding strand, the complement: DMD is on the minus strand). VCF-style: chrX-32438264-G-A. GRCh37 (hg19) VCF-style: chrX-32456381-G-A.
Other names: c.4024C>T, p.Arg1342Cys (NM_000109.4); c.4036C>T, p.Arg1346Cys (NM_004009.3); c.3679C>T, p.Arg1227Cys (NM_004010.3); short protein forms R1342C, R1346C, R1227C, R1350C.
Identifiers: ClinVar variation 1030735 (VCV001030735.6), dbSNP rs1278483491, ClinGen allele CA412669248.

ClinVar aggregate classification (germline): Uncertain significance. Review status: criteria provided, multiple submitters, no conflicts (2 of 4 stars). 3 submissions from 3 submitters: Uncertain significance (3). Last evaluated 2024-11-07.

Conditions:
Dilated cardiomyopathy 3B (CMD3B). Also called: CMD3B: DMD-Related Dilated Cardiomyopathy; CARDIOMYOPATHY, DILATED, X-LINKED; DMD-Associated Dilated Cardiomyopathy. Identifiers: Orphanet 154, MedGen C3668940, MONDO:0010542, OMIM 302045.
Duchenne muscular dystrophy (DMD). Also called: MUSCULAR DYSTROPHY, PSEUDOHYPERTROPHIC PROGRESSIVE, DUCHENNE TYPE; Duchenne Muscular Dystrophy (DMD). Identifiers: Orphanet 98896, MedGen C0013264, MONDO:0010679, OMIM 310200.

Allele frequency attached by ClinVar (database versions not stated): TOPMed below 0.00001; gnomAD exomes 0.00001.
gnomAD v4.1: 11 of 1,210,986 alleles (0.00091%); highest among the groups gnomAD compares: East Asian, 0.0059%; no homozygotes.

Submissions (3):

Labcorp Genetics (formerly Invitae), Labcorp
Classification: Uncertain significance for Duchenne muscular dystrophy. Last evaluated: 2024-11-07. Review status: criteria provided, single submitter. Criteria: Invitae Variant Classification Sherloc (09022015). Collection method: clinical testing. Allele origin: germline.
Comment: This sequence change replaces arginine, which is basic and polar, with cysteine, which is neutral and slightly polar, at codon 1350 of the DMD protein (p.Arg1350Cys). This variant is present in population databases (no rsID available, gnomAD 0.008%). This variant has not been reported in the literature in individuals affected with DMD-related conditions. ClinVar contains an entry for this variant (Variation ID: 1030735). Invitae Evidence Modeling of protein sequence and biophysical properties (such as structural, functional, and spatial information, amino acid conservation, physicochemical variation, residue mobility, and thermodynamic stability) indicates that this missense variant is not expected to disrupt DMD protein function with a negative predictive value of 95%. In summary, the available evidence is currently insufficient to determine the role of this variant in disease. Therefore, it has been classified as a Variant of Uncertain Significance.

Baylor Genetics
Classification: Uncertain significance for Dilated cardiomyopathy 3B. Last evaluated: 2020-09-30. Review status: criteria provided, single submitter. Criteria: ACMG Guidelines, 2015. Collection method: clinical testing. Allele origin: unknown. Affected: yes.
Comment: This variant was determined to be of uncertain significance according to ACMG Guidelines, 2015 [PMID:25741868].

GeneDx
Classification: Uncertain significance. Last evaluated: 2020-01-09. Review status: criteria provided, single submitter. Criteria: GeneDx Variant Classification Process June 2021. Collection method: clinical testing. Allele origin: germline. Affected: yes.
Comment: Has not been previously published as pathogenic or benign to our knowledge; In silico analysis, which includes protein predictors and evolutionary conservation, supports a deleterious effect